The following is an entry in ClinVar:

ClinVar aggregate classification (germline): Uncertain significance (1 of 4 stars; one submission).

gnomAD v4.1: 3 of 1,527,380 alleles (0.0002%); highest among the groups gnomAD compares: Admixed American, 0.0017%; no homozygotes.

Submission:

Women's Health and Genetics/Laboratory Corporation of America, LabCorp
Classification: Uncertain significance. Last evaluated: 2026-05-20. Review status: criteria provided, single submitter. Criteria: LabCorp Variant Classification Summary - May 2015. Collection method: clinical testing. Allele origin: germline.
Comment: Variant summary: CFHR3 c.901A>C (p.Met301Leu) results in a conservative amino acid change in the encoded protein sequence. Algorithms developed to predict the effect of missense changes on protein structure and function all suggest that this variant is likely to be tolerated. The variant was absent in 238506 control chromosomes. The available data on variant occurrences in the general population are insufficient to allow any conclusion about variant significance. To our knowledge, no occurrence of c.901A>C in individuals affected with CFHR3-related conditions and no experimental evidence demonstrating its impact on protein function have been reported. No submitters have cited clinical-significance assessments for this variant to ClinVar. Based on the evidence outlined above, the variant was classified as uncertain significance.

NM_021023.6(CFHR3):c.901A>C (p.Met301Leu)

Gene: CFHR3 (complement factor H related 3; plus strand). Cytogenetic location: 1q31.3.
Variant type: single nucleotide variant.
Coding change: c.901A>C on transcript NM_021023.6 (MANE Select); coding-DNA position 901, A replaced by C.
Protein change: p.Met301Leu; replaces methionine 301 with leucine.
Molecular consequence: missense variant.
Genome position (GRCh38, 1-based): chr1:196,793,421, A>C. VCF-style: chr1-196793421-A-C. GRCh37 (hg19) VCF-style: chr1-196762551-A-C.
Other names: c.718A>C, p.Met240Leu (NM_001166624.2); short protein forms M240L, M301L.
Identifiers: ClinVar variation 4853755 (VCV004853755.1).